The following is an entry in ClinVar:

ClinVar aggregate classification (germline): Benign. Review status: criteria provided, multiple submitters, no conflicts (2 of 4 stars). 3 submissions from 3 submitters: Benign (2). 1 of the submissions does not count toward it. Last evaluated 2013-09-19.

Allele frequency attached by ClinVar (database versions not stated): 1000 Genomes Project 30x 0.01140; gnomAD 0.02472 and 0.02546; ESP Exome Variant Server 0.02952; 1000 Genomes Project 0.01078; TOPMed 0.02494; ExAC 0.02730.
gnomAD v4.1: 49,889 of 1,613,942 alleles (3.1%); highest among the groups gnomAD compares: Middle Eastern, 5.9%; 955 homozygotes.

Submissions (3):

GeneDx
Classification: Benign. Last evaluated: 2013-09-19. Review status: criteria provided, single submitter. Criteria: GeneDx Variant Classification (06012015). Collection method: clinical testing. Allele origin: germline. Affected: yes.
Comment: This variant is considered likely benign or benign based on one or more of the following criteria: it is a conservative change, it occurs at a poorly conserved position in the protein, it is predicted to be benign by multiple in silico algorithms, and/or has population frequency not consistent with disease.

Breakthrough Genomics
Classification: Benign. Review status: criteria provided, single submitter. Criteria: ACMG Guidelines, 2015. Collection method: not provided. Allele origin: germline. Inheritance: Unknown mechanism. Affected: yes.

Mayo Clinic Laboratories, Mayo Clinic
Classification: Likely benign. Last evaluated: 2016-02-23. Review status: no assertion criteria provided. Collection method: clinical testing. Allele origin: unknown. Not counted in ClinVar's aggregate classification.

NM_006351.4(TIMM44):c.753C>G (p.Asn251Lys)

Gene: TIMM44 (translocase of inner mitochondrial membrane 44; minus strand). Cytogenetic location: 19p13.2.
Variant type: single nucleotide variant.
Coding change: c.753C>G on transcript NM_006351.4 (MANE Select); coding-DNA position 753, C replaced by G.
Protein change: p.Asn251Lys; replaces asparagine 251 with lysine.
Molecular consequence: missense variant.
Genome position (GRCh38, 1-based): chr19:7,933,501, G>C on the plus strand (C>G on the coding strand, the complement: TIMM44 is on the minus strand). VCF-style: chr19-7933501-G-C. GRCh37 (hg19) VCF-style: chr19-7998386-G-C.
Other names: p.N251K:AAC>AAG; short protein forms N251K.
Identifiers: ClinVar variation 137644 (VCV000137644.6), dbSNP rs118048213, ClinGen allele CA291289.